The following is an entry in ClinVar:

NM_021978.4(ST14):c.2277C>A (p.Gly759=)

Gene: ST14 (ST14 transmembrane serine protease matriptase; plus strand). Cytogenetic location: 11q24.3.
Variant type: single nucleotide variant.
Coding change: c.2277C>A on transcript NM_021978.4 (MANE Select); coding-DNA position 2277, C replaced by A.
Protein change: p.Gly759=; no amino-acid change (glycine 759 retained).
Molecular consequence: synonymous variant.
Genome position (GRCh38, 1-based): chr11:130,209,449, C>A. VCF-style: chr11-130209449-C-A. GRCh37 (hg19) VCF-style: chr11-130079344-C-A.
Other names: c.2277C>A (NM_021978.3).
Identifiers: ClinVar variation 1582658 (VCV001582658.9), dbSNP rs748084680, ClinGen allele CA6364358.

ClinVar aggregate classification (germline): Likely benign. Review status: criteria provided, single submitter (1 of 4 stars). 2 submissions from 2 submitters: Likely benign (1). 1 of the submissions does not count toward it. Last evaluated 2024-10-22.

Conditions:
ST14-related disorder. Also called: ST14-related condition.

Allele frequency attached by ClinVar (database versions not stated): gnomAD 0.00004 and 0.00005; gnomAD exomes 0.00005; TOPMed 0.00008; ExAC 0.00010.
gnomAD v4.1: 35 of 1,582,268 alleles (0.0022%); highest among the groups gnomAD compares: Admixed American, 0.031%; no homozygotes.

Submissions (2):

Labcorp Genetics (formerly Invitae), Labcorp
Classification: Likely benign. Last evaluated: 2024-10-22. Review status: criteria provided, single submitter. Criteria: Invitae Variant Classification Sherloc (09022015). Collection method: clinical testing. Allele origin: germline.

PreventionGenetics, part of Exact Sciences
Classification: Likely benign for ST14-related condition. Last evaluated: 2024-04-04. Review status: no assertion criteria provided. Collection method: clinical testing. Allele origin: germline. Not counted in ClinVar's aggregate classification.
Comment: This variant is classified as likely benign based on ACMG/AMP sequence variant interpretation guidelines (Richards et al. 2015 PMID: 25741868, with internal and published modifications).